The following is an entry in ClinVar:

ClinVar aggregate classification (germline): Uncertain significance (1 of 4 stars; one submission).

Conditions:
Spermatogenic failure 18. Identifiers: MedGen C4539783, MONDO:0054615, OMIM 617576.
Ciliary dyskinesia, primary, 37 (CILD37). Also called: CILIARY DYSKINESIA, PRIMARY, 37, WITH OR WITHOUT SITUS INVERSUS. Identifiers: MedGen C4539798, MONDO:0033204, OMIM 617577.

Allele frequency attached by ClinVar (database versions not stated): gnomAD exomes below 0.00001.
gnomAD v4.1: 1 of 1,612,412 alleles (0.000062%); highest among the groups gnomAD compares: Non-Finnish European, 0.000085%; no homozygotes.

Submission:

Labcorp Genetics (formerly Invitae), Labcorp
Classification: Uncertain significance for Ciliary dyskinesia, primary, 37; Spermatogenic failure 18. Last evaluated: 2019-02-19. Review status: criteria provided, single submitter. Criteria: Invitae Variant Classification Sherloc (09022015). Collection method: clinical testing. Allele origin: germline.
Comment: This sequence change falls in intron 31 of the DNAH1 gene. It does not directly change the encoded amino acid sequence of the DNAH1 protein, but it affects a nucleotide within the consensus splice site of the intron. In summary, the available evidence is currently insufficient to determine the role of this variant in disease. Therefore, it has been classified as a Variant of Uncertain Significance. Nucleotide substitutions within the consensus splice site are a relatively common cause of aberrant splicing (PMID: 17576681, 9536098). Algorithms developed to predict the effect of sequence changes on RNA splicing suggest that this variant may create or strengthen a splice site, but this prediction has not been confirmed by published transcriptional studies. This variant has not been reported in the literature in individuals with DNAH1-related conditions. This variant is not present in population databases (ExAC no frequency).

Literature cited by the submitters: PubMed 17576681; PubMed 9536098.

NM_015512.5(DNAH1):c.5094+2C>T

Gene: DNAH1 (dynein axonemal heavy chain 1; plus strand). Cytogenetic location: 3p21.1.
Variant type: single nucleotide variant.
Coding change: c.5094+2C>T on transcript NM_015512.5 (MANE Select); the canonical splice donor site of the intron after coding-DNA position 5094, C replaced by T.
Molecular consequence: splice donor variant.
Genome position (GRCh38, 1-based): chr3:52,362,503, C>T. VCF-style: chr3-52362503-C-T. GRCh37 (hg19) VCF-style: chr3-52396519-C-T.
Identifiers: ClinVar variation 861163 (VCV000861163.7), dbSNP rs1578143757, ClinGen allele CA353138850.